The following is an entry in ClinVar:

ClinVar aggregate classification (germline): Conflicting classifications of pathogenicity. Review status: criteria provided, conflicting classifications (1 of 4 stars). 4 submissions from 4 submitters: Uncertain significance (1); Likely benign (3). Last evaluated 2025-11-04.

Allele frequency attached by ClinVar (database versions not stated): gnomAD 0.00038 and 0.00040; 1000 Genomes Project 0.00040; ESP Exome Variant Server 0.00046; TOPMed 0.00052; 1000 Genomes Project 30x 0.00062; gnomAD exomes 0.00005 and 0.00012; ExAC 0.00017.
gnomAD v4.1: 133 of 1,614,246 alleles (0.0082%); highest among the groups gnomAD compares: African/African-American, 0.16%; no homozygotes.

Submissions (4):

Labcorp Genetics (formerly Invitae), Labcorp
Classification: Likely benign. Last evaluated: 2025-11-04. Review status: criteria provided, single submitter. Criteria: Invitae Variant Classification Sherloc (09022015). Collection method: clinical testing. Allele origin: germline.

Blueprint Genetics
Classification: Likely benign. Last evaluated: 2024-10-08. Review status: criteria provided, single submitter. Criteria: ACMG Guidelines, 2015. Collection method: clinical testing. Allele origin: germline.

Eurofins Ntd Llc (ga)
Classification: Uncertain significance. Last evaluated: 2017-05-22. Review status: criteria provided, single submitter. Criteria: EGL Classification Definitions 2015. Collection method: clinical testing. Allele origin: germline. Observed: 1 variant allele, 1 heterozygote.

Laboratory for Molecular Medicine, Mass General Brigham Personalized Medicine
Classification: Likely benign. Last evaluated: 2010-08-13. Review status: criteria provided, single submitter. Criteria: LMM Criteria. Collection method: clinical testing. Allele origin: germline. Observed: 1 variant allele.
Comment: Tyr1516Tyr in exon 37 of OTOF: This variant is not expected to have clinical sig nificance because it does not alter an amino acid residue and is not located nea r a splice junction.

NM_194248.3(OTOF):c.4548C>T (p.Tyr1516=)

Gene: OTOF (otoferlin; minus strand). Cytogenetic location: 2p23.3.
Variant type: single nucleotide variant.
Coding change: c.4548C>T on transcript NM_194248.3 (MANE Select); coding-DNA position 4548, C replaced by T.
Protein change: p.Tyr1516=; no amino-acid change (tyrosine 1516 retained).
Molecular consequence: synonymous variant.
Genome position (GRCh38, 1-based): chr2:26,466,029, G>A on the plus strand (C>T on the coding strand, the complement: OTOF is on the minus strand). VCF-style: chr2-26466029-G-A. GRCh37 (hg19) VCF-style: chr2-26688897-G-A.
Other names: c.4548C>T, p.Tyr1516= (NM_001287489.2); c.2247C>T, p.Tyr749= (NM_004802.4, NM_194323.3); c.2478C>T, p.Tyr826= (NM_194322.3).
Identifiers: ClinVar variation 48237 (VCV000048237.19), dbSNP rs139525746, ClinGen allele CA142892.